The following is an entry in ClinVar:

ClinVar aggregate classification (germline): Uncertain significance (1 of 4 stars; one submission).

gnomAD v4.1: 13 of 1,583,692 alleles (0.00082%); highest among the groups gnomAD compares: African/African-American, 0.0027%; no homozygotes.

Submission:

Labcorp Genetics (formerly Invitae), Labcorp
Classification: Uncertain significance. Last evaluated: 2024-10-29. Review status: criteria provided, single submitter. Criteria: Invitae Variant Classification Sherloc (09022015). Collection method: clinical testing. Allele origin: germline.
Comment: This sequence change replaces alanine, which is neutral and non-polar, with threonine, which is neutral and polar, at codon 340 of the MCM5 protein (p.Ala340Thr). The frequency data for this variant in the population databases is considered unreliable, as metrics indicate poor data quality at this position in the gnomAD database. This variant has not been reported in the literature in individuals affected with MCM5-related conditions. Invitae Evidence Modeling of protein sequence and biophysical properties (such as structural, functional, and spatial information, amino acid conservation, physicochemical variation, residue mobility, and thermodynamic stability) indicates that this missense variant is expected to disrupt MCM5 protein function with a positive predictive value of 80%. In summary, the available evidence is currently insufficient to determine the role of this variant in disease. Therefore, it has been classified as a Variant of Uncertain Significance.

NM_006739.4(MCM5):c.1018G>A (p.Ala340Thr)

Gene: MCM5 (minichromosome maintenance complex component 5; plus strand). Cytogenetic location: 22q12.3.
Variant type: single nucleotide variant.
Coding change: c.1018G>A on transcript NM_006739.4 (MANE Select); coding-DNA position 1018, G replaced by A.
Protein change: p.Ala340Thr; replaces alanine 340 with threonine.
Molecular consequence: missense variant.
Genome position (GRCh38, 1-based): chr22:35,412,608, G>A. VCF-style: chr22-35412608-G-A. GRCh37 (hg19) VCF-style: chr22-35808601-G-A.
Other names: short protein forms A340T.
Identifiers: ClinVar variation 3610905 (VCV003610905.2).